The following is an entry in ClinVar:

ClinVar aggregate classification (germline): Benign/Likely benign. Review status: criteria provided, multiple submitters, no conflicts (2 of 4 stars). 7 submissions from 7 submitters: Benign (3); Likely benign (3). 1 of the submissions does not count toward it. Last evaluated 2026-01-27.

Conditions:
GRM1-related disorder. Also called: GRM1-related condition.

Allele frequency attached by ClinVar (database versions not stated): gnomAD exomes 0.00062; ExAC 0.00070; ESP Exome Variant Server 0.00200; 1000 Genomes Project 30x 0.00250; gnomAD 0.00257 and 0.00277; 1000 Genomes Project 0.00280; TOPMed 0.00281.
gnomAD v4.1: 822 of 1,613,654 alleles (0.051%); highest among the groups gnomAD compares: African/African-American, 0.88%; 5 homozygotes.

Submissions (7):

Labcorp Genetics (formerly Invitae), Labcorp
Classification: Benign. Last evaluated: 2026-01-27. Review status: criteria provided, single submitter. Criteria: Invitae Variant Classification Sherloc (09022015). Collection method: clinical testing. Allele origin: germline.

Athena Diagnostics
Classification: Benign. Last evaluated: 2024-08-05. Review status: criteria provided, single submitter. Criteria: Athena Diagnostics Criteria. Collection method: clinical testing. Allele origin: unknown.

Blueprint Genetics
Classification: Likely benign. Last evaluated: 2024-06-26. Review status: criteria provided, single submitter. Criteria: ACMG Guidelines, 2015. Collection method: clinical testing. Allele origin: germline.

Mayo Clinic Laboratories, Mayo Clinic
Classification: Benign. Last evaluated: 2023-06-09. Review status: criteria provided, single submitter. Criteria: ACMG Guidelines, 2015. Collection method: clinical testing. Allele origin: germline. Observed: 3 variant alleles.
Comment: BS1, BS2

CeGaT Center for Human Genetics Tuebingen
Classification: Likely benign. Last evaluated: 2022-06-01. Review status: criteria provided, single submitter. Criteria: CeGaT Center For Human Genetics Tuebingen Variant Classification Criteria Version 2. Collection method: clinical testing. Allele origin: germline. Affected: yes. Observed: 2 variant alleles.
Comment: GRM1: BS2

Breakthrough Genomics
Classification: Likely benign. Review status: criteria provided, single submitter. Criteria: ACMG Guidelines, 2015. Collection method: not provided. Allele origin: germline. Inheritance: Autosomal recessive inheritance. Affected: yes.

PreventionGenetics, part of Exact Sciences
Classification: Benign for GRM1-related condition. Last evaluated: 2020-07-28. Review status: no assertion criteria provided. Collection method: clinical testing. Allele origin: germline. Not counted in ClinVar's aggregate classification.
Comment: This variant is classified as benign based on ACMG/AMP sequence variant interpretation guidelines (Richards et al. 2015 PMID: 25741868, with internal and published modifications).

NM_001278064.2(GRM1):c.922G>A (p.Val308Ile)

Gene: GRM1 (glutamate metabotropic receptor 1; plus strand). Cytogenetic location: 6q24.3.
Variant type: single nucleotide variant.
Coding change: c.922G>A on transcript NM_001278064.2 (MANE Select); coding-DNA position 922, G replaced by A.
Protein change: p.Val308Ile; replaces valine 308 with isoleucine.
Molecular consequence: missense variant.
Genome position (GRCh38, 1-based): chr6:146,159,569, G>A. VCF-style: chr6-146159569-G-A. GRCh37 (hg19) VCF-style: chr6-146480705-G-A.
Other names: p.Val308Ile; c.922G>A, p.Val308Ile (NM_001278065.2, NM_001278066.1, NM_001278067.1); short protein forms V308I.
Identifiers: ClinVar variation 781759 (VCV000781759.51), dbSNP rs112915383, ClinGen allele CA4037138.
Genomic context (GRCh38, chr6:146,159,569, plus strand): 5'-GTCTGCTTCTGTGAAGGCATGACAGTGCGAGGACTCCTGAGCGCCATGCGGCGCCTTGGC[G>A]TCGTGGGCGAGTTCTCACTCATTGGAAGGTAAGTTTCTCTCTCTCTCTCTCTCTCTCTCT-3'
Protein context (NP_001264993.1, residues 298-318): GLLSAMRRLG[Val308Ile]VGEFSLIGSD